The following is an entry in ClinVar:

NM_000157.4(GBA1):c.761+1del

Genes: GBA1 (glucosylceramidase beta 1; minus strand), LOC106627981 (GBA recombination region; plus strand). Cytogenetic location: 1q22.
Variant type: Deletion.
Coding change: c.761+1del on transcript NM_000157.4 (MANE Select); the canonical splice donor site of the intron after coding-DNA position 761, one base deleted (G; older notation c.761+1delG).
Molecular consequence: splice donor variant.
Genome position (GRCh38, 1-based): chr1:155,238,133, C deleted on the plus strand (G on the coding strand, the reverse complement: GBA1 is on the minus strand). VCF-style (leftmost placement, unchanged base first): chr1-155238132-AC-A. GRCh37 (hg19) VCF-style: chr1-155207923-AC-A.
Other names: c.500+1del (NM_001171811.2); c.761+1del (NM_001005742.3, NM_001005741.3); c.614+1del (NM_001171812.2).
Identifiers: ClinVar variation 4817804 (VCV004817804.1).
Genomic context (GRCh38, chr1:155,238,132, plus strand): 5'-CACAGATCAGCATGGCTAAATGGGAGGCCAGTCCTGATCCCACATCCTTGCTGATCCCTT[AC>A]TTCACAAAGTATCTGGCCCAGGTCTGGTGGTAGATGTCTCCGGGCTGTCCCTTGAGTGAC-3'

ClinVar aggregate classification (germline): Likely pathogenic (1 of 4 stars; one submission).

Conditions:
Gaucher disease. Also called: Acute cerebral Gaucher disease; Cerebroside lipidosis syndrome; Gaucher splenomegaly; Sphingolipidosis 1; Glucocerebrosidosis; Glucosylceramidase deficiency. Identifiers: Orphanet 355, MedGen C0017205, MONDO:0018150.

Submission:

Natera, Inc.
Classification: Likely pathogenic for Gaucher disease. Last evaluated: 2024-09-16. Review status: criteria provided, single submitter. Criteria: Natera Variant Classification Schema (03/2026). Collection method: clinical testing. Allele origin: germline.
Comment: The c.761+1del variant in GBA1 is a canonical splice donor site variant predicted to affect pre-mRNA splicing, which may result in an abnormal transcript and altered protein product. This variant is expected to result in nonsense mediated decay, truncation, or a dysfunctional protein product. This variant is rare in the general population with a frequency below the threshold expected for the associated phenotype(s). Given the available evidence, this variant is classified as Likely Pathogenic.